The following is an entry in ClinVar:

ClinVar aggregate classification (germline): Uncertain significance. Review status: criteria provided, multiple submitters, no conflicts (2 of 4 stars). 2 submissions from 2 submitters: Uncertain significance (2). Last evaluated 2024-01-25.

Conditions:
Cardiovascular phenotype. Identifiers: MedGen CN230736.
Progressive familial heart block type IB (PFHB1B). Identifiers: Orphanet 871, MedGen C1970298, MONDO:0011474, OMIM 604559.

Allele frequency attached by ClinVar (database versions not stated): TOPMed below 0.00001; gnomAD 0.00001; gnomAD exomes 0.00001.
gnomAD v4.1: 14 of 1,552,964 alleles (0.0009%); highest among the groups gnomAD compares: Non-Finnish European, 0.0011%; no homozygotes.

Submissions (2):

Ambry Genetics
Classification: Uncertain significance for Cardiovascular phenotype. Last evaluated: 2024-01-25. Review status: criteria provided, single submitter. Criteria: Ambry Variant Classification Scheme 2023. Collection method: clinical testing. Allele origin: germline.
Comment: The p.L833V variant (also known as c.2497C>G), located in coding exon 17 of the TRPM4 gene, results from a C to G substitution at nucleotide position 2497. The leucine at codon 833 is replaced by valine, an amino acid with highly similar properties. This amino acid position is conserved. In addition, this alteration is predicted to be tolerated by in silico analysis. Since supporting evidence is limited at this time, the clinical significance of this alteration remains unclear.

Labcorp Genetics (formerly Invitae), Labcorp
Classification: Uncertain significance for Progressive familial heart block type IB. Last evaluated: 2021-09-29. Review status: criteria provided, single submitter. Criteria: Invitae Variant Classification Sherloc (09022015). Collection method: clinical testing. Allele origin: germline.
Comment: This sequence change replaces leucine with valine at codon 833 of the TRPM4 protein (p.Leu833Val). The leucine residue is moderately conserved and there is a small physicochemical difference between leucine and valine. The frequency data for this variant in the population databases is considered unreliable, as metrics indicate insufficient coverage at this position in the ExAC database. This variant has not been reported in the literature in individuals affected with TRPM4-related conditions. Algorithms developed to predict the effect of missense changes on protein structure and function (SIFT, PolyPhen-2, Align-GVGD) all suggest that this variant is likely to be tolerated. Algorithms developed to predict the effect of sequence changes on RNA splicing suggest that this variant may create or strengthen a splice site. In summary, the available evidence is currently insufficient to determine the role of this variant in disease. Therefore, it has been classified as a Variant of Uncertain Significance.

NM_017636.4(TRPM4):c.2497C>G (p.Leu833Val)

Gene: TRPM4 (transient receptor potential cation channel subfamily M member 4; plus strand). Cytogenetic location: 19q13.33.
Variant type: single nucleotide variant.
Coding change: c.2497C>G on transcript NM_017636.4 (MANE Select); coding-DNA position 2497, C replaced by G.
Protein change: p.Leu833Val; replaces leucine 833 with valine.
Molecular consequence: missense variant. On other transcripts: intron variant (1).
Genome position (GRCh38, 1-based): chr19:49,196,726, C>G. VCF-style: chr19-49196726-C-G. GRCh37 (hg19) VCF-style: chr19-49699983-C-G.
Other names: c.2152C>G, p.Leu718Val (NM_001321281.2); c.889C>G, p.Leu297Val (NM_001321282.2); c.1975C>G, p.Leu659Val (NM_001321283.2); c.1435C>G, p.Leu479Val (NM_001321285.2); c.2211-3574C>G (NM_001195227.2); short protein forms L833V, L297V, L479V, L659V, L718V.
Identifiers: ClinVar variation 1505612 (VCV001505612.8), dbSNP rs1292906151, ClinGen allele CA406809351.